The following is an entry in ClinVar:

ClinVar aggregate classification (germline): Pathogenic (1 of 4 stars; one submission).

Conditions:
TH-deficient dopa-responsive dystonia. Also called: Segawa syndrome, autosomal recessive; Tyrosine Hydroxylase-Deficient Dopa-Responsive Dystonia; DYT-TH. Identifiers: Orphanet 101150, MedGen C2673535, MONDO:0011551, OMIM 605407.

Submission:

Myriad Genetics, Inc.
Classification: Pathogenic for TH-deficient dopa-responsive dystonia. Last evaluated: 2025-09-16. Review status: criteria provided, single submitter. Criteria: Myriad Autosomal Dominant, Autosomal Recessive and X-Linked Classification Criteria (2023). Collection method: clinical testing. Allele origin: unknown.
Comment: NM_199292.2(TH):c.876_879delCAGC(F292Lfs*18) is expected to be pathogenic in the context of tyrosine hydroxylase deficiency. This variant is predicted to lead to an abnormal or absent protein product due to the creation of a premature termination codon in TH, a gene where loss-of-function variants are known to be pathogenic. Please note: this variant was assessed in the context of healthy population screening.

NM_000360.4(TH):c.783_786del (p.Phe261fs)

Gene: TH (tyrosine hydroxylase; minus strand). Cytogenetic location: 11p15.5.
Variant type: Deletion.
Coding change: c.783_786del on transcript NM_000360.4 (MANE Select); coding-DNA positions 783 to 786, 4 bases deleted (CAGC; older notation c.783_786delCAGC).
Protein change: p.Phe261fs; shifts the reading frame from phenylalanine 261.
Molecular consequence: frameshift variant. On other transcripts: intron variant (2).
Genome position (GRCh38, 1-based): chr11:2,166,942-2,166,945, GCTG deleted on the plus strand (CAGC on the coding strand, the reverse complement: TH is on the minus strand). VCF-style (leftmost placement, unchanged base first): chr11-2166941-CGCTG-C. GRCh37 (hg19) VCF-style: chr11-2188171-CGCTG-C.
Other names: c.795_798del, p.Phe265fs (NM_001440535.1); c.876_879del, p.Phe292fs (NM_199292.3); c.864_867del, p.Phe288fs (NM_199293.3); c.696-396_696-393del (NM_001440537.1); c.708-396_708-393del (NM_001440536.1); short protein forms F261fs, F265fs, F288fs, F292fs.
Identifiers: ClinVar variation 5014984 (VCV005014984.1).
Genomic context (GRCh38, chr11:2,166,941, plus strand): 5'-GCACACCCTTCAGGAAGCGGGAGACGTCCTCCAGCTGGGGGATATTGTCTTCCCGGTAGC[CGCTG>C]AAGCGCTCCAGCAAAGCAAAGGCCTCCAGGTGCTCCCCGCAGGCGTGCGTGGCGTAGAGG-3'